The following is an entry in ClinVar:

ClinVar aggregate classification (germline): Uncertain significance. Review status: criteria provided, multiple submitters, no conflicts (2 of 4 stars). 2 submissions from 2 submitters: Uncertain significance (2). Last evaluated 2025-09-24.

Conditions:
Generalized epilepsy-paroxysmal dyskinesia syndrome (PNKD3). Also called: Generalized epilepsy and paroxysmal dyskinesia; Paroxysmal nonkinesigenic dyskinesia, 3, with or without generalized epilepsy. Identifiers: Orphanet 79137, MedGen C5574945, MONDO:0012276, OMIM 609446.

Allele frequency attached by ClinVar (database versions not stated): gnomAD 0.00001; TOPMed 0.00002; ExAC 0.00003; gnomAD exomes 0.00003 and 0.00004.
gnomAD v4.1: 54 of 1,613,780 alleles (0.0033%); highest among the groups gnomAD compares: South Asian, 0.014%; no homozygotes.

Submissions (2):

Labcorp Genetics (formerly Invitae), Labcorp
Classification: Uncertain significance for Generalized epilepsy-paroxysmal dyskinesia syndrome. Last evaluated: 2025-09-24. Review status: criteria provided, single submitter. Criteria: Invitae Variant Classification Sherloc (09022015). Collection method: clinical testing. Allele origin: germline.
Comment: This sequence change replaces valine, which is neutral and non-polar, with isoleucine, which is neutral and non-polar, at codon 982 of the KCNMA1 protein (p.Val982Ile). This variant is present in population databases (rs201534741, gnomAD 0.01%). This variant has not been reported in the literature in individuals affected with KCNMA1-related conditions. ClinVar contains an entry for this variant (Variation ID: 1411018). Invitae Evidence Modeling of protein sequence and biophysical properties (such as structural, functional, and spatial information, amino acid conservation, physicochemical variation, residue mobility, and thermodynamic stability) indicates that this missense variant is not expected to disrupt KCNMA1 protein function with a negative predictive value of 80%. In summary, the available evidence is currently insufficient to determine the role of this variant in disease. Therefore, it has been classified as a Variant of Uncertain Significance.

Mayo Clinic Laboratories, Mayo Clinic
Classification: Uncertain significance. Last evaluated: 2025-04-14. Review status: criteria provided, single submitter. Criteria: ACMG Guidelines, 2015. Collection method: clinical testing. Allele origin: germline. Observed: 1 variant allele.
Comment: BP4

NM_001161352.2(KCNMA1):c.3118G>A (p.Val1040Ile)

Genes: KCNMA1 (potassium calcium-activated channel subfamily M alpha 1; minus strand), KCNMA1-AS1 (KCNMA1 antisense RNA 1; plus strand). Cytogenetic location: 10q22.3.
Variant type: single nucleotide variant.
Coding change: c.3118G>A on transcript NM_001161352.2 (MANE Select); coding-DNA position 3118, G replaced by A.
Protein change: p.Val1040Ile; replaces valine 1040 with isoleucine.
Molecular consequence: missense variant.
Genome position (GRCh38, 1-based): chr10:76,909,995, C>T on the plus strand (G>A on the coding strand, the complement: KCNMA1 is on the minus strand). VCF-style: chr10-76909995-C-T. GRCh37 (hg19) VCF-style: chr10-78669753-C-T.
Other names: p.Val982Ile; c.2956G>A, p.Val986Ile (NM_001014797.3); c.3067G>A, p.Val1023Ile (NM_001161353.2); c.2794G>A, p.Val932Ile (NM_001271518.2); c.3034G>A, p.Val1012Ile (NM_001271519.2); c.2953G>A, p.Val985Ile (NM_001322829.2, NM_001322836.2); c.3046G>A, p.Val1016Ile (NM_001322830.2); c.2944G>A, p.Val982Ile (NM_001322832.2, NM_002247.4); and 2 more; short protein forms V1013I, V1016I, V1023I, V932I, V1012I, V1040I, V982I, V831I.
Identifiers: ClinVar variation 1411018 (VCV001411018.9), dbSNP rs201534741, ClinGen allele CA5567914.